The following is an entry in ClinVar:

ClinVar aggregate classification (germline): Likely benign. Review status: criteria provided, multiple submitters, no conflicts (2 of 4 stars). 3 submissions from 3 submitters: Likely benign (2). 1 of the submissions does not count toward it. Last evaluated 2026-08-01.

Conditions:
PLXNA1-related disorder. Also called: PLXNA1-related condition.

Allele frequency attached by ClinVar (database versions not stated): gnomAD 0.00001 and 0.00002; TOPMed 0.00003; gnomAD exomes 0.00007.
gnomAD v4.1: 98 of 1,613,720 alleles (0.0061%); highest among the groups gnomAD compares: South Asian, 0.018%; no homozygotes.

Submissions (3):

CeGaT Center for Human Genetics Tuebingen
Classification: Likely benign. Last evaluated: 2026-08-01. Review status: criteria provided, single submitter. Criteria: CeGaT Center For Human Genetics Tuebingen Variant Classification Criteria Version 2. Collection method: clinical testing. Allele origin: germline. Affected: yes. Observed: 1 variant allele.
Comment: PLXNA1: BP4, BP7

Labcorp Genetics (formerly Invitae), Labcorp
Classification: Likely benign. Last evaluated: 2023-10-17. Review status: criteria provided, single submitter. Criteria: Invitae Variant Classification Sherloc (09022015). Collection method: clinical testing. Allele origin: germline.

PreventionGenetics, part of Exact Sciences
Classification: Likely benign for PLXNA1-related condition. Last evaluated: 2024-03-12. Review status: no assertion criteria provided. Collection method: clinical testing. Allele origin: germline. Not counted in ClinVar's aggregate classification.
Comment: This variant is classified as likely benign based on ACMG/AMP sequence variant interpretation guidelines (Richards et al. 2015 PMID: 25741868, with internal and published modifications).

NM_032242.4(PLXNA1):c.1956G>A (p.Ala652=)

Gene: PLXNA1 (plexin A1; plus strand). Cytogenetic location: 3q21.3.
Variant type: single nucleotide variant.
Coding change: c.1956G>A on transcript NM_032242.4 (MANE Select); coding-DNA position 1956, G replaced by A.
Protein change: p.Ala652=; no amino-acid change (alanine 652 retained).
Molecular consequence: synonymous variant.
Genome position (GRCh38, 1-based): chr3:127,006,137, G>A. VCF-style: chr3-127006137-G-A. GRCh37 (hg19) VCF-style: chr3-126724980-G-A.
Other names: c.1956G>A (NM_032242.3).
Identifiers: ClinVar variation 1554251 (VCV001554251.10), dbSNP rs765864297, ClinGen allele CA2593439.